The following is an entry in ClinVar:

ClinVar aggregate classification (germline): Likely benign (0 of 4 stars; one submission).

Conditions:
UNC13D-related disorder. Also called: UNC13D-related condition.

Allele frequency attached by ClinVar (database versions not stated): ESP Exome Variant Server 0.01692; 1000 Genomes Project 0.01857; 1000 Genomes Project 30x 0.01874.
gnomAD v4.1: 4,341 of 1,611,628 alleles (0.27%); highest among the groups gnomAD compares: African/African-American, 5.3%; 113 homozygotes.

Submission:

PreventionGenetics, part of Exact Sciences
Classification: Likely benign for UNC13D-related condition. Last evaluated: 2020-11-02. Review status: no assertion criteria provided. Collection method: clinical testing. Allele origin: germline.
Comment: This variant is classified as likely benign based on ACMG/AMP sequence variant interpretation guidelines (Richards et al. 2015 PMID: 25741868, with internal and published modifications).

NM_199242.3(UNC13D):c.1849-39G>T

Gene: UNC13D (unc-13 homolog D; minus strand). Cytogenetic location: 17q25.1.
Variant type: single nucleotide variant.
Coding change: c.1849-39G>T on transcript NM_199242.3 (MANE Select); 39 bases into the intron before coding-DNA position 1849, G replaced by T.
Molecular consequence: intron variant.
Genome position (GRCh38, 1-based): chr17:75,835,102, C>A on the plus strand (G>T on the coding strand, the complement: UNC13D is on the minus strand). VCF-style: chr17-75835102-C-A. GRCh37 (hg19) VCF-style: chr17-73831183-C-A.
Identifiers: ClinVar variation 3037574 (VCV003037574.2), dbSNP rs78957207, ClinGen allele CA8772764.
Genomic context (GRCh38, chr17:75,835,102, plus strand): 5'-TCAGTTCACCCAGGGGCACCAGCTGGGGGAAGAAAGGAGGACTCAGGATACTGCCAAATC[C>A]ACCCCCTTCCCTCCTTCCTTCATTCATAGAGCAGCTACCATCACCAGGCACAGAGCTGGG-3'